The following is an entry in ClinVar:

ClinVar aggregate classification (germline): Uncertain significance (1 of 4 stars; one submission).

Allele frequency attached by ClinVar (database versions not stated): ExAC 0.00002; gnomAD 0.00004; ESP Exome Variant Server 0.00008.
gnomAD v4.1: 109 of 1,612,382 alleles (0.0068%); highest among the groups gnomAD compares: Non-Finnish European, 0.0088%; no homozygotes.

Submission:

Labcorp Genetics (formerly Invitae), Labcorp
Classification: Uncertain significance. Last evaluated: 2022-07-11. Review status: criteria provided, single submitter. Criteria: Invitae Variant Classification Sherloc (09022015). Collection method: clinical testing. Allele origin: germline.
Comment: This sequence change replaces histidine, which is basic and polar, with glutamine, which is neutral and polar, at codon 606 of the JAK2 protein (p.His606Gln). This variant is present in population databases (rs145561071, gnomAD 0.009%). This missense change has been observed in individual(s) with a myeloproliferative neoplasia (PMID: 19074595). Algorithms developed to predict the effect of missense changes on protein structure and function are either unavailable or do not agree on the potential impact of this missense change (SIFT: "Tolerated"; PolyPhen-2: "Possibly Damaging"; Align-GVGD: "Class C0"). In summary, the available evidence is currently insufficient to determine the role of this variant in disease. Therefore, it has been classified as a Variant of Uncertain Significance.

Literature cited by the submitters: PubMed 19074595.

NM_004972.4(JAK2):c.1818C>A (p.His606Gln)

Genes: INSL6 (insulin like 6; minus strand), JAK2 (Janus kinase 2; plus strand). Cytogenetic location: 9p24.1.
Variant type: single nucleotide variant.
Coding change: c.1818C>A on transcript NM_004972.4 (MANE Select); coding-DNA position 1818, C replaced by A.
Protein change: p.His606Gln; replaces histidine 606 with glutamine.
Molecular consequence: missense variant. On other transcripts: non-coding transcript variant (2).
Genome position (GRCh38, 1-based): chr9:5,073,739, C>A. VCF-style: chr9-5073739-C-A. GRCh37 (hg19) VCF-style: chr9-5073739-C-A.
Other names: c.1818C>A, p.His606Gln (NM_001322194.2, NM_001322195.2, NM_001322196.2); c.603C>A, p.His201Gln (NM_001322198.2, NM_001322199.2); c.1371C>A, p.His457Gln (NM_001322204.2); short protein forms H606Q, H201Q, H457Q.
Identifiers: ClinVar variation 1906053 (VCV001906053.5), dbSNP rs145561071, ClinGen allele CA4971975.